The following is an entry in ClinVar:

ClinVar aggregate classification (germline): Uncertain significance. Review status: criteria provided, multiple submitters, no conflicts (2 of 4 stars). 2 submissions from 2 submitters: Uncertain significance (2). Last evaluated 2024-06-13.

Conditions:
Neuroblastoma, susceptibility to, 3. Also called: ALK-Related Neuroblastic Tumor Susceptibility. Identifiers: Orphanet 635, MedGen C2751681, MONDO:0013083, OMIM 613014.
Hereditary cancer-predisposing syndrome. Also called: Neoplastic Syndromes, Hereditary; Hereditary neoplastic syndrome; Tumor predisposition; Hereditary Cancer Syndrome. Identifiers: Orphanet 140162, MedGen C0027672, MeSH D009386, MONDO:0015356.

Allele frequency attached by ClinVar (database versions not stated): gnomAD exomes below 0.00001.

Submissions (2):

Ambry Genetics
Classification: Uncertain significance for Hereditary cancer-predisposing syndrome. Last evaluated: 2024-06-13. Review status: criteria provided, single submitter. Criteria: Ambry Variant Classification Scheme 2023. Collection method: clinical testing. Allele origin: germline.
Comment: The p.N709S variant (also known as c.2126A>G), located in coding exon 12 of the ALK gene, results from an A to G substitution at nucleotide position 2126. The asparagine at codon 709 is replaced by serine, an amino acid with highly similar properties. This amino acid position is conserved. In addition, this alteration is predicted to be tolerated by in silico analysis. Based on the available evidence, the clinical significance of this variant remains unclear.

Labcorp Genetics (formerly Invitae), Labcorp
Classification: Uncertain significance for Neuroblastoma, susceptibility to, 3. Last evaluated: 2018-07-17. Review status: criteria provided, single submitter. Criteria: Invitae Variant Classification Sherloc (09022015). Collection method: clinical testing. Allele origin: germline.
Comment: This variant has not been reported in the literature in individuals with ALK-related disease. This variant is not present in population databases (ExAC no frequency). This sequence change replaces asparagine with serine at codon 709 of the ALK protein (p.Asn709Ser). The asparagine residue is highly conserved and there is a small physicochemical difference between asparagine and serine. Algorithms developed to predict the effect of missense changes on protein structure and function are either unavailable or do not agree on the potential impact of this missense change (SIFT: "Deleterious"; PolyPhen-2: "Benign"; Align-GVGD: "Class C45"). In summary, the available evidence is currently insufficient to determine the role of this variant in disease. Therefore, it has been classified as a Variant of Uncertain Significance.

NM_004304.5(ALK):c.2126A>G (p.Asn709Ser)

Gene: ALK (ALK receptor tyrosine kinase; minus strand). Cytogenetic location: 2p23.2.
Variant type: single nucleotide variant.
Coding change: c.2126A>G on transcript NM_004304.5 (MANE Select); coding-DNA position 2126, A replaced by G.
Protein change: p.Asn709Ser; replaces asparagine 709 with serine.
Molecular consequence: missense variant.
Genome position (GRCh38, 1-based): chr2:29,251,183, T>C on the plus strand (A>G on the coding strand, the complement: ALK is on the minus strand). VCF-style: chr2-29251183-T-C. GRCh37 (hg19) VCF-style: chr2-29474049-T-C.
Other names: short protein forms N709S.
Identifiers: ClinVar variation 664882 (VCV000664882.9), dbSNP rs1573160589, ClinGen allele CA346476953.